The following is an entry in ClinVar:

ClinVar aggregate classification (germline): Uncertain significance (1 of 4 stars; one submission).

Conditions:
Joubert syndrome. Also called: CEREBELLOPARENCHYMAL DISORDER IV; JOUBERT-BOLTSHAUSER SYNDROME; Familial aplasia of the vermis. Identifiers: Orphanet 475, MedGen C5979921, MONDO:0018772.
Meckel-Gruber syndrome. Also called: DYSENCEPHALIA SPLANCHNOCYSTICA; GRUBER SYNDROME; Dysencephalia splachnocystica. Identifiers: Orphanet 564, MedGen C0265215, MONDO:0018921.

Submission:

Labcorp Genetics (formerly Invitae), Labcorp
Classification: Uncertain significance for Joubert syndrome; Meckel-Gruber syndrome. Last evaluated: 2022-03-20. Review status: criteria provided, single submitter. Criteria: Invitae Variant Classification Sherloc (09022015). Collection method: clinical testing. Allele origin: germline.
Comment: This sequence change replaces alanine, which is neutral and non-polar, with aspartic acid, which is acidic and polar, at codon 567 of the RPGRIP1L protein (p.Ala567Asp). This variant is not present in population databases (gnomAD no frequency). This variant has not been reported in the literature in individuals affected with RPGRIP1L-related conditions. Algorithms developed to predict the effect of missense changes on protein structure and function are either unavailable or do not agree on the potential impact of this missense change (SIFT: "Tolerated"; PolyPhen-2: "Possibly Damaging"; Align-GVGD: "Class C0"). In summary, the available evidence is currently insufficient to determine the role of this variant in disease. Therefore, it has been classified as a Variant of Uncertain Significance.

NM_015272.5(RPGRIP1L):c.1700C>A (p.Ala567Asp)

Gene: RPGRIP1L (RPGRIP1 like; minus strand). Cytogenetic location: 16q12.2.
Variant type: single nucleotide variant.
Coding change: c.1700C>A on transcript NM_015272.5 (MANE Select); coding-DNA position 1700, C replaced by A.
Protein change: p.Ala567Asp; replaces alanine 567 with aspartic acid.
Molecular consequence: missense variant.
Genome position (GRCh38, 1-based): chr16:53,652,987, G>T on the plus strand (C>A on the coding strand, the complement: RPGRIP1L is on the minus strand). VCF-style: chr16-53652987-G-T. GRCh37 (hg19) VCF-style: chr16-53686899-G-T.
Other names: c.1700C>A, p.Ala567Asp (NM_001127897.4, NM_001308334.3, NM_001330538.2); short protein forms A567D.
Identifiers: ClinVar variation 2108303 (VCV002108303.1), dbSNP rs553739434, ClinGen allele CA395917522.
Genomic context (GRCh38, chr16:53,652,987, plus strand): 5'-GGCATGATTTCTGGTTTAAATTTGTACTGCTTGGTGCCATAGGCAATATCCTTTAATTGG[G>T]CTGCAAGAGAAGACACACAGTTTAGAGATTTCAAAATATTGACATGAGAAAATGAAAACT-3'
Protein context (NP_056087.2, residues 557-577): IRAARIHKLE[Ala567Asp]QLKDIAYGTK